The following is an entry in ClinVar:

ClinVar aggregate classification (germline): Benign. Review status: criteria provided, multiple submitters, no conflicts (2 of 4 stars). 2 submissions from 2 submitters: Benign (2). Last evaluated 2018-06-19.

Allele frequency attached by ClinVar (database versions not stated): gnomAD 0.04913 and 0.05318; TOPMed 0.05146; gnomAD exomes 0.06871; 1000 Genomes Project 30x 0.08276; 1000 Genomes Project 0.08866.

Submissions (2):

GeneDx
Classification: Benign. Last evaluated: 2018-06-19. Review status: criteria provided, single submitter. Criteria: GeneDx Variant Classification (06012015). Collection method: clinical testing. Allele origin: germline. Affected: yes.
Comment: This variant is considered likely benign or benign based on one or more of the following criteria: it is a conservative change, it occurs at a poorly conserved position in the protein, it is predicted to be benign by multiple in silico algorithms, and/or has population frequency not consistent with disease.

Breakthrough Genomics
Classification: Benign. Review status: criteria provided, single submitter. Criteria: ACMG Guidelines, 2015. Collection method: not provided. Allele origin: germline. Inheritance: Autosomal recessive inheritance. Affected: yes.

NM_000693.4(ALDH1A3):c.780+136T>A

Genes: ALDH1A3 (aldehyde dehydrogenase 1 family member A3; plus strand), ALDH1A3-AS1 (ALDH1A3 antisense RNA 1; minus strand). Cytogenetic location: 15q26.3.
Variant type: single nucleotide variant.
Coding change: c.780+136T>A on transcript NM_000693.4 (MANE Select); 136 bases into the intron after coding-DNA position 780, T replaced by A.
Molecular consequence: intron variant.
Genome position (GRCh38, 1-based): chr15:100,896,182, T>A. VCF-style: chr15-100896182-T-A. GRCh37 (hg19) VCF-style: chr15-101436387-T-A.
Other names: c.459+136T>A (NM_001293815.2).
Identifiers: ClinVar variation 674194 (VCV000674194.2), dbSNP rs72633248, ClinGen allele CA275610144.
Genomic context (GRCh38, chr15:100,896,182, plus strand): 5'-GGCTTTAATATGATTTGTTTTTCTTCTAAATTTGACCATGTTTTAGTACATAACAACCAG[T>A]TAAAAAAAGTCACTGGTCTAGTTTCCAAACTAAATAAATATCTAATAGAACTCAGAAGCC-3'